The following is an entry in ClinVar:

NM_003494.3(DYSF):c.3504dup (p.Lys1169Glnfs)

Gene: DYSF (dysferlin; plus strand). Cytogenetic location: 2p13.2.
Variant type: Duplication.
Coding change: c.3504dup on transcript NM_003494.3; coding-DNA position 3504, one base duplicated (C; older notation c.3504dupC).
Protein change: p.Lys1169Glnfs; shifts the reading frame from lysine 1169.
Molecular consequence: frameshift variant (on NM_001130987.2).
Genome position (GRCh38, 1-based): chr2:71,590,272, C duplicated. VCF-style (leftmost placement, unchanged base first): chr2-71590271-A-AC. GRCh37 (hg19) VCF-style: chr2-71817401-A-AC.
Other names: NM_003494.3(DYSF):c.3504dup; p.Lys1169Glnfs; c.3507dup, p.Lys1170fs (NM_001130455.2, NM_001130983.2); c.3462dup, p.Lys1155fs (NM_001130976.2, NM_001130977.2); c.3504dup, p.Lys1169fs (NM_001130978.2, NM_003494.4); c.3597dup, p.Lys1200fs (NM_001130979.2); c.3555dup, p.Lys1186fs (NM_001130980.2, NM_001130981.2); c.3600dup, p.Lys1201fs (NM_001130982.2); and 2 more; short protein forms K1156fs, K1169fs, K1187fs, K1201fs, K1155fs, K1170fs, K1186fs, K1200fs.
Identifiers: ClinVar variation 282861 (VCV000282861.24), dbSNP rs886042504, ClinGen allele CA10604325.

ClinVar aggregate classification (germline): Pathogenic. Review status: reviewed by expert panel (3 of 4 stars). 6 submissions from 6 submitters: Pathogenic (1). 5 of the submissions do not count toward it. Last evaluated 2025-01-08.

Conditions:
Autosomal recessive limb-girdle muscular dystrophy. Identifiers: Orphanet 102015, MedGen C2931907, MONDO:0015152.
Neuromuscular disease caused by qualitative or quantitative defects of dysferlin. Also called: Qualitative or quantitative defects of dysferlin; Dysferlinopathy. Identifiers: Orphanet 207073, MedGen C2931687, MONDO:0016145.
Miyoshi muscular dystrophy 1 (MMD1). Identifiers: Orphanet 45448, MedGen C4551973, MONDO:0024545, OMIM 254130.
Autosomal recessive limb-girdle muscular dystrophy type 2B (LGMDR2). Also called: Limb-girdle muscular dystrophy, type 2B; MUSCULAR DYSTROPHY, LIMB-GIRDLE, AUTOSOMAL RECESSIVE 2; Limb-Girdle Muscular Dystrophy Type 2B (LGMD2B); MUSCULAR DYSTROPHY, LIMB-GIRDLE, TYPE 3. Identifiers: Orphanet 268, MedGen C1850889, MONDO:0009676, OMIM 253601.

Allele frequency attached by ClinVar (database versions not stated): gnomAD exomes below 0.00001.

Submissions (6):

ClinGen Limb Girdle Muscular Dystrophy Variant Curation Expert Panel, ClinGen
Classification: Pathogenic for Autosomal recessive limb-girdle muscular dystrophy. Last evaluated: 2025-01-08. Review status: reviewed by expert panel. Criteria: ClinGen LGMD VCEP ACMG Specifications DYSF V1.0.0. Collection method: curation. Allele origin: germline. Inheritance: Autosomal recessive inheritance.
Comment: The NM_003494.4: c.3504dup p.(Lys1169GlnfsTer6) variant in DYSF, which is also known as NM_001130987.2: c.3558dup p.(Lys1187GlnfsTer6), is a frameshift variant predicted to cause a premature stop codon in biologically relevant exon 32/55 leading to nonsense mediated decay in a gene in which loss of function is an established disease mechanism (PVS1). This variant has been detected in at least three individuals with LGMD (PMID: 20544924, 21522182; ClinVar SCV003761541.2), including confirmed in trans with a pathogenic variant (c.855+1del, 1.0 pt, PMID: 20544924) (PM3). At least one patient with this variant displayed progressive limb girdle muscle weakness and absent dysferlin protein expression, which is highly specific for DYSF-associated LGMD (PP4_Strong, PMID: 21522182). This variant is absent from gnomAD v3.1.2 and v2.1.1 (PM2_Supporting). In summary, this variant meets the criteria to be classified as Pathogenic for autosomal recessive limb girdle muscular dystrophy based on the ACMG/AMP criteria applied, as specified by the ClinGen LGMD VCEP (LGMD VCEP specifications version 1.0.0; 01/08/2025): PVS1, PM3, PP4_Strong, PM2_Supporting.

Natera, Inc.
Classification: Pathogenic for Limb-girdle muscular dystrophy type 2B. Last evaluated: 2025-10-20. Review status: criteria provided, single submitter. Criteria: Natera Variant Classification Schema (03/2026). Collection method: clinical testing. Allele origin: germline. Not counted in ClinVar's aggregate classification.
Comment: The c.3504dup variant in DYSF is a frameshift variant predicted to shift the reading frame beginning at codon 1169 and leads to a stop codon 6 codons downstream. This variant is expected to result in nonsense mediated decay, truncation, or a dysfunctional protein product. This variant is rare in the general population with a frequency below the threshold expected for the associated phenotype(s). This variant has been observed in one or more individuals affected with the associated recessive disease, as either homozygous or compound heterozygous with a second variant (PMID: 21522182, 20544924). Given the available evidence, this variant is classified as Pathogenic.

Labcorp Genetics (formerly Invitae), Labcorp
Classification: Pathogenic for Neuromuscular disease caused by qualitative or quantitative defects of dysferlin. Last evaluated: 2025-07-30. Review status: criteria provided, single submitter. Criteria: Invitae Variant Classification Sherloc (09022015). Collection method: clinical testing. Allele origin: germline. Not counted in ClinVar's aggregate classification.
Comment: This sequence change creates a premature translational stop signal (p.Lys1169Glnfs*6) in the DYSF gene. It is expected to result in an absent or disrupted protein product. Loss-of-function variants in DYSF are known to be pathogenic (PMID: 17698709, 20301480). This variant is not present in population databases (gnomAD no frequency). This premature translational stop signal has been observed in individual(s) with dysferlinopathy (PMID: 20544924). This variant is also known as c.3505insC. ClinVar contains an entry for this variant (Variation ID: 282861). For these reasons, this variant has been classified as Pathogenic.

Baylor Genetics
Classification: Pathogenic for Miyoshi muscular dystrophy 1. Last evaluated: 2021-10-28. Review status: criteria provided, single submitter. Criteria: ACMG Guidelines, 2015. Collection method: clinical testing. Allele origin: unknown. Not counted in ClinVar's aggregate classification.

Eurofins Ntd Llc (ga)
Classification: Pathogenic. Last evaluated: 2015-08-25. Review status: criteria provided, single submitter. Criteria: EGL Classification Definitions. Collection method: clinical testing. Allele origin: germline. Observed: 1 variant allele, 1 homozygote. Not counted in ClinVar's aggregate classification.

Genetics Research Group, Universidad San Francisco de Quito
Classification: Pathogenic for Miyoshi muscular dystrophy 1. Last evaluated: 2023-01-27. Review status: no assertion criteria provided. Collection method: clinical testing. Allele origin: germline. Inheritance: Autosomal recessive inheritance. Affected: yes. Observed: 2 variant alleles, 2 homozygotes. Clinical features observed: Distal muscle weakness (HP:0002460), Lower limb muscle weakness (HP:0007340), Decreased Achilles reflex (HP:0009072), Elevated circulating creatine kinase activity (HP:0003236), Proximal muscle weakness (HP:0003701). Not counted in ClinVar's aggregate classification.
Comment: We describe the c.3504dup (p.Lys1169Glnfs*6) in a family with a progressive muscular weakness for more than 20 years consisting of 6 siblings, 2 affected males, 1 affected female, one affected-death female, and 2 unaffected females. This variant has never been reported before in a study. However, its report has been described by laboratory companies.

Literature cited by the submitters: PubMed 21522182 (cited by Natera, Inc.); PubMed 20544924 (cited by Natera, Inc. and Labcorp Genetics (formerly Invitae), Labcorp); PubMed 17698709 (cited by Labcorp Genetics (formerly Invitae), Labcorp); PubMed 20301480 (cited by Labcorp Genetics (formerly Invitae), Labcorp); NCBI Bookshelf 1303 (cited by Genetics Research Group, Universidad San Francisco de Quito).